The following is an entry in ClinVar:

ClinVar aggregate classification (germline): Uncertain significance (1 of 4 stars; one submission).

Submission:

Labcorp Genetics (formerly Invitae), Labcorp
Classification: Uncertain significance. Last evaluated: 2025-02-04. Review status: criteria provided, single submitter. Criteria: Invitae Variant Classification Sherloc (09022015). Collection method: clinical testing. Allele origin: germline.
Comment: This sequence change replaces asparagine, which is neutral and polar, with serine, which is neutral and polar, at codon 190 of the PGAP2 protein (p.Asn190Ser). This variant is not present in population databases (gnomAD no frequency). This variant has not been reported in the literature in individuals affected with PGAP2-related conditions. Invitae Evidence Modeling of protein sequence and biophysical properties (such as structural, functional, and spatial information, amino acid conservation, physicochemical variation, residue mobility, and thermodynamic stability) indicates that this missense variant is not expected to disrupt PGAP2 protein function with a negative predictive value of 80%. In summary, the available evidence is currently insufficient to determine the role of this variant in disease. Therefore, it has been classified as a Variant of Uncertain Significance.

NM_014489.4(PGAP2):c.752A>G (p.Asn251Ser)

Gene: PGAP2 (post-GPI attachment to proteins 2; plus strand). Cytogenetic location: 11p15.4.
Variant type: single nucleotide variant.
Coding change: c.752A>G on transcript NM_014489.4 (MANE Select); coding-DNA position 752, A replaced by G.
Protein change: p.Asn251Ser; replaces asparagine 251 with serine.
Molecular consequence: missense variant. On other transcripts: synonymous variant (8), non-coding transcript variant (15).
Genome position (GRCh38, 1-based): chr11:3,825,063, A>G. VCF-style: chr11-3825063-A-G. GRCh37 (hg19) VCF-style: chr11-3846293-A-G.
Other names: c.557A>G, p.Asn186Ser (NM_001145438.3, NM_001256239.2, NM_001346400.2); c.623A>G, p.Asn208Ser (NM_001256235.2); c.752A>G, p.Asn251Ser (NM_001256236.2); c.648A>G, p.Gln216= (NM_001256237.2, NM_001346404.1); c.642A>G, p.Gln214= (NM_001256238.2); c.569A>G, p.Asn190Ser (NM_001256240.2, NM_001283038.2, NM_001346398.2 and 1 more transcripts); c.492A>G, p.Gln164= (NM_001283039.2); c.312A>G, p.Gln104= (NM_001283040.1); and 5 more; short protein forms N190S, N243S, N251S, N186S, N208S, N230S, N247S, N241S.
Identifiers: ClinVar variation 4744112 (VCV004744112.1).
Genomic context (GRCh38, chr11:3,825,063, plus strand): 5'-GACAGCCCATTCCCTAGGATCGCAAGTCCTACAGCTGGAAACAGCGGCTCTTCATCATCA[A>G]CTTCATCTCCTTCTTCTCGGCGCTGGCTGTCTACTTTCGGCACAACATGTATTGTGAGGC-3'
Protein context (NP_055304.1, residues 241-261): YSWKQRLFII[Asn251Ser]FISFFSALAV